The following is an entry in ClinVar:

ClinVar aggregate classification (germline): Uncertain significance (1 of 4 stars; one submission).

Conditions:
Muscular dystrophy-dystroglycanopathy (congenital with brain and eye anomalies), type A13. Also called: WALKER-WARBURG SYNDROME OR MUSCLE-EYE-BRAIN DISEASE, B3GNT1-RELATED; Muscular dystrophy-dystroglycanopathy (congenital with brain and eye anomalies), type a, 13. Identifiers: Orphanet 899, MedGen C3809042, MONDO:0014120, OMIM 615287.

Submission:

Labcorp Genetics (formerly Invitae), Labcorp
Classification: Uncertain significance for Muscular dystrophy-dystroglycanopathy (congenital with brain and eye anomalies), type A13. Last evaluated: 2022-07-08. Review status: criteria provided, single submitter. Criteria: Invitae Variant Classification Sherloc (09022015). Collection method: clinical testing. Allele origin: germline.
Comment: This sequence change replaces isoleucine, which is neutral and non-polar, with serine, which is neutral and polar, at codon 197 of the B4GAT1 protein (p.Ile197Ser). This variant is not present in population databases (gnomAD no frequency). This variant has not been reported in the literature in individuals affected with B4GAT1-related conditions. Algorithms developed to predict the effect of missense changes on protein structure and function (SIFT, PolyPhen-2, Align-GVGD) all suggest that this variant is likely to be tolerated. In summary, the available evidence is currently insufficient to determine the role of this variant in disease. Therefore, it has been classified as a Variant of Uncertain Significance.

NM_006876.3(B4GAT1):c.590T>G (p.Ile197Ser)

Gene: B4GAT1 (beta-1,4-glucuronyltransferase 1; minus strand). Cytogenetic location: 11q13.2.
Variant type: single nucleotide variant.
Coding change: c.590T>G on transcript NM_006876.3 (MANE Select); coding-DNA position 590, T replaced by G.
Protein change: p.Ile197Ser; replaces isoleucine 197 with serine.
Molecular consequence: missense variant.
Genome position (GRCh38, 1-based): chr11:66,346,956, A>C on the plus strand (T>G on the coding strand, the complement: B4GAT1 is on the minus strand). VCF-style: chr11-66346956-A-C. GRCh37 (hg19) VCF-style: chr11-66114427-A-C.
Other names: c.590T>G (NM_006876.2); short protein forms I197S.
Identifiers: ClinVar variation 1957075 (VCV001957075.3), dbSNP rs2495386188, ClinGen allele CA381418077.
Genomic context (GRCh38, chr11:66,346,956, plus strand): 5'-CGAGCCAGATTCCTCAGCAGGTTATTGGGGTAGGAGACATTGGTGCCCAGCGCATAATTA[A>C]TCCCGGGCTGGGCCACCCTGGCTAGCTTGTCAAAGACCTCCTGGCAGGACCGCAGCAGGG-3'
Protein context (NP_006867.1, residues 187-207): DKLARVAQPG[Ile197Ser]NYALGTNVSY